The following is an entry in ClinVar:

ClinVar aggregate classification (germline): Uncertain significance (1 of 4 stars; one submission).

gnomAD v4.1: 1 of 1,577,138 alleles (0.000063%); highest among the groups gnomAD compares: South Asian, 0.0012%; no homozygotes.

Submission:

GeneDx
Classification: Uncertain significance. Last evaluated: 2023-06-18. Review status: criteria provided, single submitter. Criteria: GeneDx Variant Classification Process June 2021. Collection method: clinical testing. Allele origin: germline. Affected: yes.
Comment: Not observed at significant frequency in large population cohorts (gnomAD); In silico analysis supports that this missense variant has a deleterious effect on protein structure/function; Has not been previously published as pathogenic or benign to our knowledge

NM_001366521.1(ATP2B1):c.2444G>T (p.Gly815Val)

Gene: ATP2B1 (ATPase plasma membrane Ca2+ transporting 1; minus strand). Cytogenetic location: 12q21.33.
Variant type: single nucleotide variant.
Coding change: c.2444G>T on transcript NM_001366521.1 (MANE Select); coding-DNA position 2444, G replaced by T.
Protein change: p.Gly815Val; replaces glycine 815 with valine.
Molecular consequence: missense variant. On other transcripts: non-coding transcript variant (3).
Genome position (GRCh38, 1-based): chr12:89,604,345, C>A on the plus strand (G>T on the coding strand, the complement: ATP2B1 is on the minus strand). VCF-style: chr12-89604345-C-A. GRCh37 (hg19) VCF-style: chr12-89998122-C-A.
Other names: c.2444G>T, p.Gly815Val (NM_001001323.2, NM_001366520.1, NM_001366522.1 and 12 more transcripts); c.2246G>T, p.Gly749Val (NM_001366530.1, NM_001413053.1); c.1883G>T, p.Gly628Val (NM_001366531.1, NM_001366532.1, NM_001413058.1 and 2 more transcripts); c.2405G>T, p.Gly802Val (NM_001413048.1); c.2303G>T, p.Gly768Val (NM_001413051.1, NM_001413052.1, NM_001413055.1); c.2201G>T, p.Gly734Val (NM_001413054.1); c.2189G>T, p.Gly730Val (NM_001413056.1); c.1991G>T, p.Gly664Val (NM_001413057.1); short protein forms G628V, G664V, G730V, G734V, G749V, G768V, G802V, G815V.
Identifiers: ClinVar variation 3359985 (VCV003359985.1).
Genomic context (GRCh38, chr12:89,604,345, plus strand): 5'-AAGTTGTCATCTGTGAGAATAATATCGGATGCTTCTTTAGCTACATCAGTTCCAGCAATA[C>A]CCTGTTAAAAAAAATTTTGTGAATTAGACTAAATGTTTTAAGTATAACTTTCAAATAGTC-3'
Protein context (NP_001353450.1, residues 805-825): LKKADVGFAM[Gly815Val]IAGTDVAKEA